The following is an entry in ClinVar:

NM_000551.4(VHL):c.131G>C (p.Gly44Ala)

Gene: VHL (von Hippel-Lindau tumor suppressor; plus strand). Cytogenetic location: 3p25.3.
Variant type: single nucleotide variant.
Coding change: c.131G>C on transcript NM_000551.4 (MANE Select); coding-DNA position 131, G replaced by C.
Protein change: p.Gly44Ala; replaces glycine 44 with alanine.
Molecular consequence: missense variant.
Genome position (GRCh38, 1-based): chr3:10,141,978, G>C. VCF-style: chr3-10141978-G-C. GRCh37 (hg19) VCF-style: chr3-10183662-G-C.
Other names: c.131G>C (NM_000551.3); c.131G>C, p.Gly44Ala (NM_001354723.2, NM_198156.3); short protein forms G44A.
Identifiers: ClinVar variation 1479906 (VCV001479906.9), dbSNP rs1056226386, ClinGen allele CA351748061.

ClinVar aggregate classification (germline): Conflicting classifications of pathogenicity. Review status: criteria provided, conflicting classifications (1 of 4 stars). 2 submissions from 2 submitters: Uncertain significance (1); Likely benign (1). Last evaluated 2024-08-21.

Conditions:
Von Hippel-Lindau syndrome (VHLS). Also called: Von Hippel-Lindau; von Hippel–Lindau syndrome; VHL syndrome. Identifiers: Orphanet 892, MedGen C0019562, MONDO:0008667, OMIM 193300. Disease mechanism: loss of function.
Chuvash polycythemia. Also called: POLYCYTHEMIA, VHL-DEPENDENT. Identifiers: Orphanet 238557, MedGen C1837915, MONDO:0009892, OMIM 263400.
Hereditary cancer-predisposing syndrome. Also called: Hereditary neoplastic syndrome; Tumor predisposition; Neoplastic Syndromes, Hereditary; Hereditary Cancer Syndrome. Identifiers: Orphanet 140162, MedGen C0027672, MeSH D009386, MONDO:0015356.

gnomAD v4.1: 1 of 1,563,522 alleles (0.000064%); highest among the groups gnomAD compares: Non-Finnish European, 0.000087%; no homozygotes.

Submissions (2):

Ambry Genetics
Classification: Likely benign for Hereditary cancer-predisposing syndrome. Last evaluated: 2024-08-21. Review status: criteria provided, single submitter. Criteria: Ambry Variant Classification Scheme 2023. Collection method: clinical testing. Allele origin: germline.

Labcorp Genetics (formerly Invitae), Labcorp
Classification: Uncertain significance for Von Hippel-Lindau syndrome; Chuvash polycythemia. Last evaluated: 2024-03-19. Review status: criteria provided, single submitter. Criteria: Invitae Variant Classification Sherloc (09022015). Collection method: clinical testing. Allele origin: germline.
Comment: This sequence change replaces glycine, which is neutral and non-polar, with alanine, which is neutral and non-polar, at codon 44 of the VHL protein (p.Gly44Ala). This variant is not present in population databases (gnomAD no frequency). This variant has not been reported in the literature in individuals affected with VHL-related conditions. ClinVar contains an entry for this variant (Variation ID: 1479906). Advanced modeling of protein sequence and biophysical properties (such as structural, functional, and spatial information, amino acid conservation, physicochemical variation, residue mobility, and thermodynamic stability) performed at Invitae indicates that this missense variant is not expected to disrupt VHL protein function with a negative predictive value of 95%. In summary, the available evidence is currently insufficient to determine the role of this variant in disease. Therefore, it has been classified as a Variant of Uncertain Significance.